The following is an entry in ClinVar:

ClinVar aggregate classification (germline): Benign. Review status: criteria provided, multiple submitters, no conflicts (2 of 4 stars). 3 submissions from 3 submitters: Benign (2). 1 of the submissions does not count toward it. Last evaluated 2024-02-09.

Conditions:
ESR2-related disorder. Also called: ESR2-related condition.

Allele frequency attached by ClinVar (database versions not stated): gnomAD exomes 0.00019 and 0.00056; ExAC 0.00064; 1000 Genomes Project 0.00140; 1000 Genomes Project 30x 0.00141; gnomAD 0.00208 and 0.00230; TOPMed 0.00245; ESP Exome Variant Server 0.00246.
gnomAD v4.1: 604 of 1,610,664 alleles (0.038%); highest among the groups gnomAD compares: African/African-American, 0.74%; 3 homozygotes.

Submissions (3):

Labcorp Genetics (formerly Invitae), Labcorp
Classification: Benign. Last evaluated: 2024-02-09. Review status: criteria provided, single submitter. Criteria: Invitae Variant Classification Sherloc (09022015). Collection method: clinical testing. Allele origin: germline.

Breakthrough Genomics
Classification: Benign. Review status: criteria provided, single submitter. Criteria: ACMG Guidelines, 2015. Collection method: not provided. Allele origin: germline. Inheritance: Autosomal dominant inheritance. Affected: yes.

PreventionGenetics, part of Exact Sciences
Classification: Benign for ESR2-related condition. Last evaluated: 2019-08-13. Review status: no assertion criteria provided. Collection method: clinical testing. Allele origin: germline. Not counted in ClinVar's aggregate classification.
Comment: This variant is classified as benign based on ACMG/AMP sequence variant interpretation guidelines (Richards et al. 2015 PMID: 25741868, with internal and published modifications).

NM_001437.3(ESR2):c.801G>T (p.Gln267His)

Gene: ESR2 (estrogen receptor 2; minus strand). Cytogenetic location: 14q23.2.
Variant type: single nucleotide variant.
Coding change: c.801G>T on transcript NM_001437.3 (MANE Select); coding-DNA position 801, G replaced by T.
Protein change: p.Gln267His; replaces glutamine 267 with histidine.
Molecular consequence: missense variant. On other transcripts: non-coding transcript variant (2).
Genome position (GRCh38, 1-based): chr14:64,260,600, C>A on the plus strand (G>T on the coding strand, the complement: ESR2 is on the minus strand). VCF-style: chr14-64260600-C-A. GRCh37 (hg19) VCF-style: chr14-64727318-C-A.
Other names: c.801G>T, p.Gln267His (NM_001040275.1, NM_001214902.1, NM_001271876.1 and 3 more transcripts); c.801G>T (NM_001437.2); short protein forms Q267H.
Identifiers: ClinVar variation 1657467 (VCV001657467.11), dbSNP rs149404315, ClinGen allele CA7225446.